The following is an entry in ClinVar:

ClinVar aggregate classification (germline): Uncertain significance. Review status: criteria provided, multiple submitters, no conflicts (2 of 4 stars). 2 submissions from 2 submitters: Uncertain significance (2). Last evaluated 2021-10-20.

Conditions:
Spondyloepiphyseal dysplasia, kondo-fu type. Also called: MBTPS1-Related Spondyloepimetaphyseal Dysplasia with Elevated Lysosomal Enzymes; SED WITH ELEVATED BLOOD LYSOSOMAL ENZYMES. Identifiers: MedGen C5193071, MONDO:0032721, OMIM 618392.

Allele frequency attached by ClinVar (database versions not stated): gnomAD exomes 0.00015 and 0.00026; ExAC 0.00016; ESP Exome Variant Server 0.00031; gnomAD 0.00013 and 0.00014; TOPMed 0.00014.
gnomAD v4.1: 388 of 1,614,104 alleles (0.024%); highest among the groups gnomAD compares: Non-Finnish European, 0.032%; 1 homozygote.

Submissions (2):

Labcorp Genetics (formerly Invitae), Labcorp
Classification: Uncertain significance. Last evaluated: 2021-10-20. Review status: criteria provided, single submitter. Criteria: Invitae Variant Classification Sherloc (09022015). Collection method: clinical testing. Allele origin: germline.
Comment: This sequence change replaces lysine with arginine at codon 124 of the MBTPS1 protein (p.Lys124Arg). The lysine residue is highly conserved and there is a small physicochemical difference between lysine and arginine. This variant is present in population databases (rs150655343, ExAC 0.03%). This variant has not been reported in the literature in individuals affected with MBTPS1-related conditions. Algorithms developed to predict the effect of missense changes on protein structure and function (SIFT, PolyPhen-2, Align-GVGD) all suggest that this variant is likely to be disruptive. In summary, the available evidence is currently insufficient to determine the role of this variant in disease. Therefore, it has been classified as a Variant of Uncertain Significance.

Department of Pathology and Laboratory Medicine, Sinai Health System
Classification: Uncertain significance for Spondyloepiphyseal dysplasia, kondo-fu type. Last evaluated: 2020-08-05. Review status: criteria provided, single submitter. Criteria: ACMG Guidelines, 2015. Collection method: research. Allele origin: germline.

NM_003791.4(MBTPS1):c.371A>G (p.Lys124Arg)

Gene: MBTPS1 (membrane bound transcription factor peptidase, site 1; minus strand). Cytogenetic location: 16q23.3.
Variant type: single nucleotide variant.
Coding change: c.371A>G on transcript NM_003791.4 (MANE Select); coding-DNA position 371, A replaced by G.
Protein change: p.Lys124Arg; replaces lysine 124 with arginine.
Molecular consequence: missense variant.
Genome position (GRCh38, 1-based): chr16:84,099,103, T>C on the plus strand (A>G on the coding strand, the complement: MBTPS1 is on the minus strand). VCF-style: chr16-84099103-T-C. GRCh37 (hg19) VCF-style: chr16-84132708-T-C.
Other names: short protein forms K124R.
Identifiers: ClinVar variation 1469225 (VCV001469225.4), dbSNP rs150655343, ClinGen allele CA8201811.
Genomic context (GRCh38, chr16:84,099,103, plus strand): 5'-CAATACTCACATTCAGCATACTTGAGGGAACGAAAGACTTTTCGTTGGGGCGTGACCCGT[T>C]TGATGTTTGGATGATCTTCAAGTGTTAGCAGCCCCGCTTTCTGTTTTTCTTTTATCTGAA-3'
Protein context (NP_003782.1, residues 114-134): LLTLEDHPNI[Lys124Arg]RVTPQRKVFR